The following is an entry in ClinVar:

NM_004415.4(DSP):c.665G>T (p.Arg222Leu)

Gene: DSP (desmoplakin; plus strand). Cytogenetic location: 6p24.3.
Variant type: single nucleotide variant.
Coding change: c.665G>T on transcript NM_004415.4 (MANE Select); coding-DNA position 665, G replaced by T.
Protein change: p.Arg222Leu; replaces arginine 222 with leucine.
Molecular consequence: missense variant.
Genome position (GRCh38, 1-based): chr6:7,562,719, G>T. VCF-style: chr6-7562719-G-T. GRCh37 (hg19) VCF-style: chr6-7562952-G-T.
Other names: c.665G>T, p.Arg222Leu (NM_001008844.3, NM_001319034.2, NM_001406591.1); short protein forms R222L.
Identifiers: ClinVar variation 2161868 (VCV002161868.1), dbSNP rs377749481, ClinGen allele CA362673512.
Genomic context (GRCh38, chr6:7,562,719, plus strand): 5'-TGGACATGGTGGCCTGGGGTGTGGACCTGGCCTCAGTGGAGCAGCACATTAACAGCCACC[G>T]GGGCATCCACAACTCCATCGGCGACTATCGCTGGCAGCTGGACAAAATCAAAGCCGACCT-3'
Protein context (NP_004406.2, residues 212-232): ASVEQHINSH[Arg222Leu]GIHNSIGDYR

ClinVar aggregate classification (germline): Uncertain significance (1 of 4 stars; one submission).

Conditions:
Arrhythmogenic cardiomyopathy with wooly hair and keratoderma. Also called: PALMOPLANTAR KERATODERMA WITH LEFT VENTRICULAR CARDIOMYOPATHY AND WOOLLY HAIR; Dilated cardiomyopathy with woolly hair and keratoderma; Carvajal syndrome; Arrhythmogenic cardiomyopathy with woolly hair and keratoderma. Identifiers: Orphanet 65282, MedGen C1854063, MONDO:0011581, OMIM 605676.
Arrhythmogenic right ventricular dysplasia 8 (ARVD8). Also called: ARRHYTHMOGENIC RIGHT VENTRICULAR CARDIOMYOPATHY 8; ARRHYTHMOGENIC RIGHT VENTRICULAR DYSPLASIA, FAMILIAL, 8; Arrhythmogenic Right Ventricular Dysplasia/Cardiomyopathy 8. Identifiers: MedGen C1843896, MONDO:0011831, OMIM 607450.

gnomAD v4.1: 3 of 1,613,992 alleles (0.00019%); highest among the groups gnomAD compares: Non-Finnish European, 0.00025%; no homozygotes.

Submission:

Labcorp Genetics (formerly Invitae), Labcorp
Classification: Uncertain significance for Arrhythmogenic cardiomyopathy with wooly hair and keratoderma; Arrhythmogenic right ventricular dysplasia 8. Last evaluated: 2022-07-31. Review status: criteria provided, single submitter. Criteria: Invitae Variant Classification Sherloc (09022015). Collection method: clinical testing. Allele origin: germline.
Comment: This sequence change replaces arginine, which is basic and polar, with leucine, which is neutral and non-polar, at codon 222 of the DSP protein (p.Arg222Leu). This variant is not present in population databases (gnomAD no frequency). This variant has not been reported in the literature in individuals affected with DSP-related conditions. Algorithms developed to predict the effect of missense changes on protein structure and function are either unavailable or do not agree on the potential impact of this missense change (SIFT: "Deleterious"; PolyPhen-2: "Probably Damaging"; Align-GVGD: "Class C0"). In summary, the available evidence is currently insufficient to determine the role of this variant in disease. Therefore, it has been classified as a Variant of Uncertain Significance.